The following is an entry in ClinVar:

NM_018979.4(WNK1):c.5869C>T (p.Arg1957Cys)

Gene: WNK1 (WNK lysine deficient protein kinase 1; plus strand). Cytogenetic location: 12p13.33.
Variant type: single nucleotide variant.
Coding change: c.5869C>T on transcript NM_018979.4 (MANE Select); coding-DNA position 5869, C replaced by T.
Protein change: p.Arg1957Cys; replaces arginine 1957 with cysteine.
Molecular consequence: missense variant.
Genome position (GRCh38, 1-based): chr12:896,356, C>T. VCF-style: chr12-896356-C-T. GRCh37 (hg19) VCF-style: chr12-1005522-C-T.
Other names: p.Arg2209Cys; c.6649C>T, p.Arg2217Cys (NM_001184985.2); c.5125C>T, p.Arg1709Cys (NM_014823.3); c.6625C>T, p.Arg2209Cys (NM_213655.5); short protein forms R1957C, R2209C, R1709C, R2217C.
Identifiers: ClinVar variation 306612 (VCV000306612.19), dbSNP rs201766777, ClinGen allele CA6383295.

ClinVar aggregate classification (germline): Conflicting classifications of pathogenicity. Review status: criteria provided, conflicting classifications (1 of 4 stars). 5 submissions from 5 submitters: Uncertain significance (2); Benign (1); Likely benign (2). Last evaluated 2025-11-18.

Conditions:
Neuropathy, hereditary sensory and autonomic, type 2A (HSAN2A). Also called: ACROOSTEOLYSIS, GIACCAI TYPE; ACROOSTEOLYSIS, NEUROGENIC; HSAN IIA; WNK1-Related HSAN2 (HSAN2A); MORVAN DISEASE; NEUROPATHY, CONGENITAL SENSORY. Identifiers: Orphanet 970, MedGen C2752089, MONDO:0024309, OMIM 201300.
Pseudohypoaldosteronism type 2C (PHA2C). Also called: Pseudohypoaldosteronism Type IIC. Identifiers: Orphanet 757, Orphanet 88940, MedGen C1840391, MONDO:0013778, OMIM 614492.
Inborn genetic diseases. Identifiers: MedGen C0950123, MeSH D030342.

Allele frequency attached by ClinVar (database versions not stated): 1000 Genomes Project 30x 0.00016; gnomAD 0.00025 and 0.00026; TOPMed 0.00026; gnomAD exomes 0.00033 and 0.00039; ESP Exome Variant Server 0.00038; ExAC 0.00040.
gnomAD v4.1: 507 of 1,614,090 alleles (0.031%); highest among the groups gnomAD compares: Middle Eastern, 0.18%; no homozygotes.

Submissions (5):

Labcorp Genetics (formerly Invitae), Labcorp
Classification: Likely benign for Neuropathy, hereditary sensory and autonomic, type 2A; Pseudohypoaldosteronism type 2C. Last evaluated: 2025-11-18. Review status: criteria provided, single submitter. Criteria: Invitae Variant Classification Sherloc (09022015). Collection method: clinical testing. Allele origin: germline.

Mayo Clinic Laboratories, Mayo Clinic
Classification: Uncertain significance. Last evaluated: 2025-03-03. Review status: criteria provided, single submitter. Criteria: ACMG Guidelines, 2015. Collection method: clinical testing. Allele origin: germline. Observed: 2 variant alleles.
Comment: PP3

Ambry Genetics
Classification: Uncertain significance for Inborn genetic diseases. Last evaluated: 2022-01-26. Review status: criteria provided, single submitter. Criteria: Ambry Variant Classification Scheme 2023. Collection method: clinical testing. Allele origin: germline.
Comment: The p.R2209C variant (also known as c.6625C>T), located in coding exon 24 of the WNK1 gene, results from a C to T substitution at nucleotide position 6625. The arginine at codon 2209 is replaced by cysteine, an amino acid with highly dissimilar properties. This amino acid position is highly conserved in available vertebrate species. In addition, this alteration is predicted to be deleterious by in silico analysis. Since supporting evidence is limited at this time, the clinical significance of this alteration remains unclear.

Illumina Laboratory Services, Illumina
Classification: Benign for Pseudohypoaldosteronism type 2C. Last evaluated: 2018-01-12. Review status: criteria provided, single submitter. Criteria: ICSL Variant Classification Criteria 13 December 2019. Collection method: clinical testing. Allele origin: germline.
Comment: This variant was observed in the ICSL laboratory as part of a predisposition screen in an ostensibly healthy population. It had not been previously curated by ICSL or reported in the Human Gene Mutation Database (HGMD: prior to June 1st, 2018), and was therefore a candidate for classification through an automated scoring system. Utilizing variant allele frequency, disease prevalence and penetrance estimates, and inheritance mode, an automated score was calculated to assess if this variant is too frequent to cause the disease. Based on the score and internal cut-off values, a variant classified as benign is not then subjected to further curation. The score for this variant resulted in a classification of benign for this disease.

Breakthrough Genomics
Classification: Likely benign. Review status: criteria provided, single submitter. Criteria: ACMG Guidelines, 2015. Collection method: not provided. Allele origin: germline. Inheritance: Autosomal recessive inheritance. Affected: yes.